The following is an entry in ClinVar:

NM_001312673.2(PCYT1A):c.61C>T (p.Pro21Ser)

Gene: PCYT1A (phosphate cytidylyltransferase 1A, choline; minus strand). Cytogenetic location: 3q29.
Variant type: single nucleotide variant.
Coding change: c.61C>T on transcript NM_001312673.2 (MANE Select); coding-DNA position 61, C replaced by T.
Protein change: p.Pro21Ser; replaces proline 21 with serine.
Molecular consequence: missense variant.
Genome position (GRCh38, 1-based): chr3:196,270,471, G>A on the plus strand (C>T on the coding strand, the complement: PCYT1A is on the minus strand). VCF-style: chr3-196270471-G-A. GRCh37 (hg19) VCF-style: chr3-195997342-G-A.
Other names: c.61C>T, p.Pro21Ser (NM_005017.4); short protein forms P21S.
Identifiers: ClinVar variation 1425779 (VCV001425779.6), dbSNP rs150416628, ClinGen allele CA90807082.

ClinVar aggregate classification (germline): Uncertain significance. Review status: criteria provided, multiple submitters, no conflicts (2 of 4 stars). 2 submissions from 2 submitters: Uncertain significance (2). Last evaluated 2022-02-03.

Allele frequency attached by ClinVar (database versions not stated): gnomAD 0.00001; TOPMed 0.00002; ESP Exome Variant Server 0.00008.

Submissions (2):

Labcorp Genetics (formerly Invitae), Labcorp
Classification: Uncertain significance. Last evaluated: 2022-02-03. Review status: criteria provided, single submitter. Criteria: Invitae Variant Classification Sherloc (09022015). Collection method: clinical testing. Allele origin: germline.
Comment: This sequence change replaces proline, which is neutral and non-polar, with serine, which is neutral and polar, at codon 21 of the PCYT1A protein (p.Pro21Ser). This variant is present in population databases (rs150416628, gnomAD 0.0009%). This variant has not been reported in the literature in individuals affected with PCYT1A-related conditions. Advanced modeling of protein sequence and biophysical properties (such as structural, functional, and spatial information, amino acid conservation, physicochemical variation, residue mobility, and thermodynamic stability) performed at Invitae indicates that this missense variant is not expected to disrupt PCYT1A protein function. In summary, the available evidence is currently insufficient to determine the role of this variant in disease. Therefore, it has been classified as a Variant of Uncertain Significance.

Blueprint Genetics
Classification: Uncertain significance. Last evaluated: 2019-10-16. Review status: criteria provided, single submitter. Criteria: ACMG Guidelines, 2015. Collection method: clinical testing. Allele origin: germline.